The following is an entry in ClinVar:

ClinVar aggregate classification (germline): Uncertain significance (1 of 4 stars; one submission).

Submission:

GeneDx
Classification: Uncertain significance. Last evaluated: 2023-01-12. Review status: criteria provided, single submitter. Criteria: GeneDx Variant Classification Process June 2021. Collection method: clinical testing. Allele origin: germline. Affected: yes.
Comment: Not observed at significant frequency in large population cohorts (gnomAD); In silico analysis supports that this missense variant has a deleterious effect on protein structure/function; Has not been previously published as pathogenic or benign to our knowledge

NM_001142864.4(PIEZO1):c.3000C>G (p.Phe1000Leu)

Genes: HSALR1 (HSP90AB1 associated lncRNA 1; plus strand), PIEZO1 (piezo type mechanosensitive ion channel component 1 (Er blood group); minus strand). Cytogenetic location: 16q24.3.
Variant type: single nucleotide variant.
Coding change: c.3000C>G on transcript NM_001142864.4 (MANE Select); coding-DNA position 3000, C replaced by G.
Protein change: p.Phe1000Leu; replaces phenylalanine 1000 with leucine.
Molecular consequence: missense variant.
Genome position (GRCh38, 1-based): chr16:88,731,902, G>C on the plus strand (C>G on the coding strand, the complement: PIEZO1 is on the minus strand). VCF-style: chr16-88731902-G-C. GRCh37 (hg19) VCF-style: chr16-88798310-G-C.
Other names: c.1542C>G, p.Phe514Leu (NM_014745.1); short protein forms F1000L, F514L.
Identifiers: ClinVar variation 2429604 (VCV002429604.1), dbSNP rs568280615, ClinGen allele CA8232588.
Genomic context (GRCh38, chr16:88,731,902, plus strand): 5'-GCAACCGTGCAGGGTCACCAGAAAGTTCATGCGCTGCCCGATCACGTTCACGGCCATCAG[G>C]AAGCAGATCTGGGGAGGGGAGAGGGCGGGGTGTGGGGATGCACTGAGTCTGGGGGGAGGG-3'
Protein context (NP_001136336.2, residues 990-1010): FFYKFGLEIC[Phe1000Leu]LMAVNVIGQR